The following is an entry in ClinVar:

ClinVar aggregate classification (germline): Uncertain significance (1 of 4 stars; one submission).

Allele frequency attached by ClinVar (database versions not stated): gnomAD 0.00021; ExAC 0.00074; 1000 Genomes Project 30x 0.00172; 1000 Genomes Project 0.00180.
gnomAD v4.1: 554 of 1,612,860 alleles (0.034%); highest among the groups gnomAD compares: South Asian, 0.53%; 2 homozygotes.

Submission:

Ambry Genetics
Classification: Uncertain significance. Last evaluated: 2024-11-15. Review status: criteria provided, single submitter. Criteria: Ambry Variant Classification Scheme 2023. Collection method: clinical testing. Allele origin: germline.
Comment: The p.N336H variant (also known as c.1006A>C), located in coding exon 5 of the MNDA gene, results from an A to C substitution at nucleotide position 1006. The asparagine at codon 336 is replaced by histidine, an amino acid with similar properties. This amino acid position is conserved. In addition, this alteration is predicted to be tolerated by in silico analysis. Since supporting evidence is limited at this time, the clinical significance of this alteration remains unclear.

NM_002432.3(MNDA):c.1006A>C (p.Asn336His)

Gene: MNDA (myeloid cell nuclear differentiation antigen; plus strand). Cytogenetic location: 1q23.1.
Variant type: single nucleotide variant.
Coding change: c.1006A>C on transcript NM_002432.3 (MANE Select); coding-DNA position 1006, A replaced by C.
Protein change: p.Asn336His; replaces asparagine 336 with histidine.
Molecular consequence: missense variant.
Genome position (GRCh38, 1-based): chr1:158,847,746, A>C. VCF-style: chr1-158847746-A-C. GRCh37 (hg19) VCF-style: chr1-158817536-A-C.
Other names: short protein forms N336H.
Identifiers: ClinVar variation 2496936 (VCV002496936.3), dbSNP rs539078156, ClinGen allele CA1185773.